The following is an entry in ClinVar:

NM_000061.3(BTK):c.941A>G (p.Lys314Arg)

Gene: BTK (Bruton tyrosine kinase; minus strand). Cytogenetic location: Xq22.1.
Variant type: single nucleotide variant.
Coding change: c.941A>G on transcript NM_000061.3 (MANE Select); coding-DNA position 941, A replaced by G.
Protein change: p.Lys314Arg; replaces lysine 314 with arginine.
Molecular consequence: missense variant.
Genome position (GRCh38, 1-based): chrX:101,358,650, T>C on the plus strand (A>G on the coding strand, the complement: BTK is on the minus strand). VCF-style: chrX-101358650-T-C. GRCh37 (hg19) VCF-style: chrX-100613638-T-C.
Other names: c.1043A>G, p.Lys348Arg (NM_001287344.2); c.941A>G, p.Lys314Arg (NM_001287345.2); short protein forms K314R, K348R.
Identifiers: ClinVar variation 461819 (VCV000461819.11), dbSNP rs1386621585, ClinGen allele CA413929005.
Genomic context (GRCh38, chrX:101,358,650, plus strand): 5'-TCAGGGCCTTGGAATAGTAGCACTCACCCTGTGGATTTAGCAAACACAGACACTGTATAT[T>C]TGCCAGCTTTGCTGGAGTCTCTGACAATGAAACCTCCTTCTTTCCCCTGAAACAACGAAA-3'
Protein context (NP_000052.1, residues 304-324): FIVRDSSKAG[Lys314Arg]YTVSVFAKST

ClinVar aggregate classification (germline): Uncertain significance. Review status: criteria provided, multiple submitters, no conflicts (2 of 4 stars). 2 submissions from 2 submitters: Uncertain significance (2). Last evaluated 2025-10-30.

Conditions:
Inborn genetic diseases. Identifiers: MedGen C0950123, MeSH D030342.
X-linked agammaglobulinemia with growth hormone deficiency (IGHD3). Also called: AGAMMAGLOBULINEMIA AND ISOLATED GROWTH HORMONE DEFICIENCY, X-LINKED; FLEISHER SYNDROME; HYPOGAMMAGLOBULINEMIA AND ISOLATED GROWTH HORMONE DEFICIENCY, X-LINKED; IGHD III; ISOLATED GROWTH HORMONE DEFICIENCY, TYPE III, WITH AGAMMAGLOBULINEMIA; Isolated growth hormone deficiency type 3. Identifiers: Orphanet 231692, Orphanet 631, MedGen C0472813, MONDO:0010615, OMIM 307200.

Allele frequency attached by ClinVar (database versions not stated): gnomAD 0.00001; TOPMed 0.00002.
gnomAD v4.1: 2 of 1,209,192 alleles (0.00017%); highest among the groups gnomAD compares: Admixed American, 0.0022%; no homozygotes.

Submissions (2):

Ambry Genetics
Classification: Uncertain significance for Inborn genetic diseases. Last evaluated: 2025-10-30. Review status: criteria provided, single submitter. Criteria: Ambry Variant Classification Scheme 2023. Collection method: clinical testing. Allele origin: germline.

Labcorp Genetics (formerly Invitae), Labcorp
Classification: Uncertain significance for X-linked agammaglobulinemia with growth hormone deficiency. Last evaluated: 2024-03-26. Review status: criteria provided, single submitter. Criteria: Invitae Variant Classification Sherloc (09022015). Collection method: clinical testing. Allele origin: germline.
Comment: This sequence change replaces lysine, which is basic and polar, with arginine, which is basic and polar, at codon 314 of the BTK protein (p.Lys314Arg). This variant is not present in population databases (gnomAD no frequency). This variant has not been reported in the literature in individuals affected with BTK-related conditions. ClinVar contains an entry for this variant (Variation ID: 461819). Advanced modeling of protein sequence and biophysical properties (such as structural, functional, and spatial information, amino acid conservation, physicochemical variation, residue mobility, and thermodynamic stability) performed at Invitae indicates that this missense variant is not expected to disrupt BTK protein function with a negative predictive value of 80%. In summary, the available evidence is currently insufficient to determine the role of this variant in disease. Therefore, it has been classified as a Variant of Uncertain Significance.